The following is an entry in ClinVar:

ClinVar aggregate classification (germline): Benign. Review status: criteria provided, multiple submitters, no conflicts (2 of 4 stars). 2 submissions from 2 submitters: Benign (2). Last evaluated 2018-06-14.

Allele frequency attached by ClinVar (database versions not stated): 1000 Genomes Project 30x 0.62180; 1000 Genomes Project 0.62380; TOPMed 0.65926; gnomAD 0.67701 and 0.67997.
gnomAD v4.1: 833,893 of 1,108,134 alleles (75%); highest among the groups gnomAD compares: Middle Eastern, 80%; 317,227 homozygotes.

Submissions (2):

GeneDx
Classification: Benign. Last evaluated: 2018-06-14. Review status: criteria provided, single submitter. Criteria: GeneDx Variant Classification (06012015). Collection method: clinical testing. Allele origin: germline. Affected: yes.
Comment: This variant is considered likely benign or benign based on one or more of the following criteria: it is a conservative change, it occurs at a poorly conserved position in the protein, it is predicted to be benign by multiple in silico algorithms, and/or has population frequency not consistent with disease.

Breakthrough Genomics
Classification: Benign. Review status: criteria provided, single submitter. Criteria: ACMG Guidelines, 2015. Collection method: not provided. Allele origin: germline. Inheritance: Autosomal recessive inheritance. Affected: yes.

NM_001013703.4(EIF2AK4):c.2686+93C>T

Gene: EIF2AK4 (eukaryotic translation initiation factor 2 alpha kinase 4; plus strand). Cytogenetic location: 15q15.1.
Variant type: single nucleotide variant.
Coding change: c.2686+93C>T on transcript NM_001013703.4 (MANE Select); 93 bases into the intron after coding-DNA position 2686, C replaced by T.
Molecular consequence: intron variant.
Genome position (GRCh38, 1-based): chr15:39,992,322, C>T. VCF-style: chr15-39992322-C-T. GRCh37 (hg19) VCF-style: chr15-40284523-C-T.
Identifiers: ClinVar variation 674667 (VCV000674667.2), dbSNP rs7178419, ClinGen allele CA14098859.